The following is an entry in ClinVar:

NM_147196.3(TMIE):c.256C>T (p.Arg86Trp)

Gene: TMIE (transmembrane inner ear; plus strand). Cytogenetic location: 3p21.31.
Variant type: single nucleotide variant.
Coding change: c.256C>T on transcript NM_147196.3 (MANE Select); coding-DNA position 256, C replaced by T.
Protein change: p.Arg86Trp; replaces arginine 86 with tryptophan.
Molecular consequence: missense variant.
Genome position (GRCh38, 1-based): chr3:46,709,170, C>T. VCF-style: chr3-46709170-C-T. GRCh37 (hg19) VCF-style: chr3-46750660-C-T.
Other names: c.97C>T, p.Arg33Trp (NM_001370524.1, NM_001370525.1); short protein forms R33W, R86W.
Identifiers: ClinVar variation 3360845 (VCV003360845.1).
Genomic context (GRCh38, chr3:46,709,170, plus strand): 5'-TCTGTCCTCCCTACAGTCATCACGCTGTGCTGTGTCTTCAACTGTCGTGTGCCACGGACC[C>T]GGAAGGAGATCGAAGCCCGGTACCTGCAGCGAAAGGCAGCCAAGATGTACACAGACAAGC-3'
Protein context (NP_671729.2, residues 76-96): CVFNCRVPRT[Arg86Trp]KEIEARYLQR

ClinVar aggregate classification (germline): Uncertain significance (1 of 4 stars; one submission).

Submission:

GeneDx
Classification: Uncertain significance. Last evaluated: 2023-07-10. Review status: criteria provided, single submitter. Criteria: GeneDx Variant Classification Process June 2021. Collection method: clinical testing. Allele origin: germline. Affected: yes.
Comment: Not observed at significant frequency in large population cohorts (gnomAD); In silico analysis supports that this missense variant has a deleterious effect on protein structure/function; Has not been previously published as pathogenic or benign to our knowledge